The following is an entry in ClinVar:

ClinVar aggregate classification (germline): Uncertain significance. Review status: criteria provided, multiple submitters, no conflicts (2 of 4 stars). 2 submissions from 2 submitters: Uncertain significance (2). Last evaluated 2025-10-13.

Conditions:
Okur-Chung neurodevelopmental syndrome (OCNDS). Identifiers: Orphanet 689422, MedGen C4310739, MONDO:0014893, OMIM 617062.

Allele frequency attached by ClinVar (database versions not stated): gnomAD exomes below 0.00001.
gnomAD v4.1: 2 of 1,608,536 alleles (0.00012%); highest among the groups gnomAD compares: South Asian, 0.0022%; no homozygotes.

Submissions (2):

Dasa
Classification: Uncertain significance for Okur-Chung neurodevelopmental syndrome. Last evaluated: 2025-10-13. Review status: criteria provided, single submitter. Criteria: DASA Assertion Criteria. Collection method: clinical testing. Allele origin: germline.
Comment: NM_177559.3(CSNK2A1):c.102-7T>A is a splice-region variant. This variant is rare in population databases. Computational prediction algorithms are consistent with a deleterious effect. The currently available literature and clinical evidence are not sufficient to establish a definitive association between this variant and the reported condition. Therefore, this variant is classified as a variant of uncertain significance.

Laboratorio de Genetica e Diagnostico Molecular, Hospital Israelita Albert Einstein
Classification: Uncertain significance for Okur-Chung neurodevelopmental syndrome. Last evaluated: 2022-12-21. Review status: criteria provided, single submitter. Criteria: ACMG Guidelines, 2015. Collection method: clinical testing. Allele origin: germline. Affected: yes.
Comment: ACMG classification criteria: PM2 moderated, PP3 supporting

NM_177559.3(CSNK2A1):c.102-7T>A

Gene: CSNK2A1 (casein kinase 2 alpha 1; minus strand). Cytogenetic location: 20p13.
Variant type: single nucleotide variant.
Coding change: c.102-7T>A on transcript NM_177559.3 (MANE Select); 7 bases into the intron before coding-DNA position 102, T replaced by A.
Molecular consequence: intron variant.
Genome position (GRCh38, 1-based): chr20:505,236, A>T on the plus strand (T>A on the coding strand, the complement: CSNK2A1 is on the minus strand). VCF-style: chr20-505236-A-T. GRCh37 (hg19) VCF-style: chr20-485880-A-T.
Other names: c.-307-7T>A (NM_177560.3); c.102-7T>A (NM_001362771.2, NM_001895.4, NM_001362770.2).
Identifiers: ClinVar variation 2431530 (VCV002431530.4), dbSNP rs2514673023, ClinGen allele CA2577314668.